The following is an entry in ClinVar:

ClinVar aggregate classification (germline): Benign/Likely benign. Review status: criteria provided, multiple submitters, no conflicts (2 of 4 stars). 3 submissions from 3 submitters: Benign (1); Likely benign (2). Last evaluated 2024-08-01.

Conditions:
Paget disease of bone 3. Identifiers: MedGen C4085252, MONDO:0008176, OMIM 167250.

Allele frequency attached by ClinVar (database versions not stated): 1000 Genomes Project 0.00739; 1000 Genomes Project 30x 0.00796; gnomAD 0.01143 and 0.01155; ExAC 0.01185; TOPMed 0.01223; gnomAD exomes 0.01235 and 0.01386; ESP Exome Variant Server 0.01407.
gnomAD v4.1: 22,244 of 1,614,228 alleles (1.4%); highest among the groups gnomAD compares: Middle Eastern, 1.6%; 259 homozygotes.

Submissions (3):

CeGaT Center for Human Genetics Tuebingen
Classification: Benign. Last evaluated: 2024-08-01. Review status: criteria provided, single submitter. Criteria: CeGaT Center For Human Genetics Tuebingen Variant Classification Criteria Version 2. Collection method: clinical testing. Allele origin: germline. Affected: yes. Observed: 3 variant alleles.
Comment: MRNIP: BP4, BP7, BS1, BS2

Illumina Laboratory Services, Illumina
Classification: Likely benign for Paget disease of bone 3. Last evaluated: 2018-01-13. Review status: criteria provided, single submitter. Criteria: ICSL Variant Classification Criteria 13 December 2019. Collection method: clinical testing. Allele origin: germline.
Comment: This variant was observed in the ICSL laboratory as part of a predisposition screen in an ostensibly healthy population. It had not been previously curated by ICSL or reported in the Human Gene Mutation Database (HGMD: prior to June 1st, 2018), and was therefore a candidate for classification through an automated scoring system. Utilizing variant allele frequency, disease prevalence and penetrance estimates, and inheritance mode, an automated score was calculated to assess if this variant is too frequent to cause the disease. Based on the score and internal cut-off values, a variant classified as likely benign is not then subjected to further curation. The score for this variant resulted in a classification of likely benign for this disease.

Breakthrough Genomics
Classification: Likely benign. Review status: criteria provided, single submitter. Criteria: ACMG Guidelines, 2015. Collection method: not provided. Allele origin: germline. Inheritance: Autosomal recessive inheritance. Affected: yes.

NM_016175.4(MRNIP):c.729C>T (p.Asp243=)

Genes: MRNIP (MRN complex interacting protein; minus strand), SQSTM1 (sequestosome 1; plus strand). Cytogenetic location: 5q35.3.
Variant type: single nucleotide variant.
Coding change: c.729C>T on transcript NM_016175.4 (MANE Select); coding-DNA position 729, C replaced by T.
Protein change: p.Asp243=; no amino-acid change (aspartic acid 243 retained).
Molecular consequence: synonymous variant. On other transcripts: 3 prime UTR variant (3).
Genome position (GRCh38, 1-based): chr5:179,837,694, G>A on the plus strand (C>T on the coding strand, the complement: MRNIP is on the minus strand). VCF-style: chr5-179837694-G-A. GRCh37 (hg19) VCF-style: chr5-179264694-G-A.
Other names: c.564C>T, p.Asp188= (NM_001017987.3); c.*1101G>A (NM_001142298.2, NM_001142299.2, NM_003900.5).
Identifiers: ClinVar variation 353180 (VCV000353180.22), dbSNP rs61742526, ClinGen allele CA3601059.
Genomic context (GRCh38, chr5:179,837,694, plus strand): 5'-CTTAGCCTGTGCTGGACCAGCTGGCCTGGGGTCCCTCTGAAGAGACCTTGGCTGCTCACT[G>A]TCCACATGTGAACTTTTTCTAGGTGGCAGGACAAATTGCGCCCATTTAGAGGATGTGGCT-3'
Protein context (NP_057259.2, residues 233-253): VLPPRKSSHV[Asp243=]SEQPRSLQRD